The following is an entry in ClinVar:

NM_001378457.1(DMXL2):c.4162G>A (p.Gly1388Arg)

Gene: DMXL2 (Dmx like 2; minus strand). Cytogenetic location: 15q21.2.
Variant type: single nucleotide variant.
Coding change: c.4162G>A on transcript NM_001378457.1 (MANE Select); coding-DNA position 4162, G replaced by A.
Protein change: p.Gly1388Arg; replaces glycine 1388 with arginine.
Molecular consequence: missense variant. On other transcripts: non-coding transcript variant (2), intron variant (2).
Genome position (GRCh38, 1-based): chr15:51,499,062, C>T on the plus strand (G>A on the coding strand, the complement: DMXL2 is on the minus strand). VCF-style: chr15-51499062-C-T. GRCh37 (hg19) VCF-style: chr15-51791259-C-T.
Other names: c.4162G>A, p.Gly1388Arg (NM_001174116.3, NM_001378458.1, NM_001378459.1 and 4 more transcripts); c.3922G>A, p.Gly1308Arg (NM_001378464.1); c.2765-7315G>A (NM_001378460.1); c.2765-3928G>A (NM_001174117.3); short protein forms G1308R, G1388R.
Identifiers: ClinVar variation 1984209 (VCV001984209.2), dbSNP rs372443560, ClinGen allele CA270573788.

ClinVar aggregate classification (germline): Uncertain significance (1 of 4 stars; one submission).

Allele frequency attached by ClinVar (database versions not stated): TOPMed 0.00002; gnomAD 0.00005; ESP Exome Variant Server 0.00008.
gnomAD v4.1: 7 of 1,613,846 alleles (0.00043%); highest among the groups gnomAD compares: African/African-American, 0.0093%; no homozygotes.

Submission:

Labcorp Genetics (formerly Invitae), Labcorp
Classification: Uncertain significance. Last evaluated: 2023-12-07. Review status: criteria provided, single submitter. Criteria: Invitae Variant Classification Sherloc (09022015). Collection method: clinical testing. Allele origin: germline.
Comment: This sequence change replaces glycine, which is neutral and non-polar, with arginine, which is basic and polar, at codon 1388 of the DMXL2 protein (p.Gly1388Arg). This variant is present in population databases (rs372443560, gnomAD 0.02%). This variant has not been reported in the literature in individuals affected with DMXL2-related conditions. ClinVar contains an entry for this variant (Variation ID: 1984209). An algorithm developed to predict the effect of missense changes on protein structure and function (PolyPhen-2) suggests that this variant is likely to be disruptive. In summary, the available evidence is currently insufficient to determine the role of this variant in disease. Therefore, it has been classified as a Variant of Uncertain Significance.